The following is an entry in ClinVar:

ClinVar aggregate classification (germline): Likely benign. Review status: criteria provided, single submitter (1 of 4 stars). 2 submissions from 2 submitters: Likely benign (1). 1 of the submissions does not count toward it. Last evaluated 2025-08-11.

Conditions:
SLC18A2-related disorder. Also called: SLC18A2-related condition.

Allele frequency attached by ClinVar (database versions not stated): gnomAD exomes 0.00012 and 0.00023; ExAC 0.00028; gnomAD 0.00074 and 0.00078; ESP Exome Variant Server 0.00077; TOPMed 0.00083; 1000 Genomes Project 30x 0.00094; 1000 Genomes Project 0.00100.
gnomAD v4.1: 290 of 1,614,140 alleles (0.018%); highest among the groups gnomAD compares: African/African-American, 0.27%; 1 homozygote.

Submissions (2):

Labcorp Genetics (formerly Invitae), Labcorp
Classification: Likely benign. Last evaluated: 2025-08-11. Review status: criteria provided, single submitter. Criteria: Invitae Variant Classification Sherloc (09022015). Collection method: clinical testing. Allele origin: germline.

PreventionGenetics, part of Exact Sciences
Classification: Likely benign for SLC18A2-related condition. Last evaluated: 2019-06-04. Review status: no assertion criteria provided. Collection method: clinical testing. Allele origin: germline. Not counted in ClinVar's aggregate classification.
Comment: This variant is classified as likely benign based on ACMG/AMP sequence variant interpretation guidelines (Richards et al. 2015 PMID: 25741868, with internal and published modifications).

NM_003054.6(SLC18A2):c.255G>A (p.Ser85=)

Gene: SLC18A2 (solute carrier family 18 member A2; plus strand). Cytogenetic location: 10q25.3.
Variant type: single nucleotide variant.
Coding change: c.255G>A on transcript NM_003054.6 (MANE Select); coding-DNA position 255, G replaced by A.
Protein change: p.Ser85=; no amino-acid change (serine 85 retained).
Molecular consequence: synonymous variant.
Genome position (GRCh38, 1-based): chr10:117,244,104, G>A. VCF-style: chr10-117244104-G-A. GRCh37 (hg19) VCF-style: chr10-119003615-G-A.
Identifiers: ClinVar variation 791308 (VCV000791308.12), dbSNP rs363388, ClinGen allele CA5710230.